The following is an entry in ClinVar:

NM_000138.5(FBN1):c.2148A>G (p.Gly716=)

Gene: FBN1 (fibrillin 1; minus strand). Cytogenetic location: 15q21.1.
Variant type: single nucleotide variant.
Coding change: c.2148A>G on transcript NM_000138.5 (MANE Select); coding-DNA position 2148, A replaced by G.
Protein change: p.Gly716=; no amino-acid change (glycine 716 retained).
Molecular consequence: synonymous variant.
Genome position (GRCh38, 1-based): chr15:48,499,004, T>C on the plus strand (A>G on the coding strand, the complement: FBN1 is on the minus strand). VCF-style: chr15-48499004-T-C. GRCh37 (hg19) VCF-style: chr15-48791201-T-C.
Identifiers: ClinVar variation 439702 (VCV000439702.32), dbSNP rs141039922, ClinGen allele CA046939.
Genomic context (GRCh38, chr15:48,499,004, plus strand): 5'-TGCACATACTGAAGGTAGTAAATTTTGAAAGGAATCCTTACCACTGCCTGCTGACGTCAT[T>C]CCTGGCCCACTGCTGCAGAGTGCCTGATATTCCGCTGCAATAAATTAACAGATAGTAAAT-3'
Protein context (NP_000129.3, residues 706-726): EYQALCSSGP[Gly716=]MTSAGSDINE

ClinVar aggregate classification (germline): Conflicting classifications of pathogenicity. Review status: criteria provided, conflicting classifications (1 of 4 stars). 8 submissions from 8 submitters: Uncertain significance (1); Benign (4); Likely benign (3). Last evaluated 2025-12-11.

Conditions:
Marfan syndrome (MFS). Also called: MARFAN SYNDROME, TYPE I; FBN1-Related Marfan Syndrome; Marfan syndrome type 1; Marfan's syndrome; Marfan syndrome, classic. Identifiers: Orphanet 284963, Orphanet 558, MedGen C0024796, MONDO:0007947, OMIM 154700.
Familial thoracic aortic aneurysm and aortic dissection (TAAD). Also called: Thoracic aortic aneurysms and dissections. Identifiers: Orphanet 91387, MedGen C4707243, MONDO:0019625.

Allele frequency attached by ClinVar (database versions not stated): gnomAD exomes 0.00003 and 0.00006; TOPMed 0.00038; 1000 Genomes Project 30x 0.00062; 1000 Genomes Project 0.00040; ExAC 0.00008; ESP Exome Variant Server 0.00023; gnomAD 0.00042.
gnomAD v4.1: 111 of 1,614,204 alleles (0.0069%); highest among the groups gnomAD compares: African/African-American, 0.14%; 1 homozygote.

Submissions (8):

Labcorp Genetics (formerly Invitae), Labcorp
Classification: Benign for Marfan syndrome; Familial thoracic aortic aneurysm and aortic dissection. Last evaluated: 2025-12-11. Review status: criteria provided, single submitter. Criteria: Invitae Variant Classification Sherloc (09022015). Collection method: clinical testing. Allele origin: germline.

All of Us Research Program, National Institutes of Health
Classification: Benign for Marfan syndrome. Last evaluated: 2024-01-11. Review status: criteria provided, single submitter. Criteria: ACMG Guidelines, 2015. Collection method: clinical testing. Allele origin: germline. Inheritance: Autosomal dominant inheritance. Observed: 17 variant alleles, 17 heterozygotes.
Comment: This study involves interpretation of variants in research participants for the purpose of population health screening. Participant phenotype was not available at the time of variant classification. Additional details can be found in publication PMID: 35346344, PMCID: PMC8962531

GeneDx
Classification: Likely benign. Last evaluated: 2019-03-29. Review status: criteria provided, single submitter. Criteria: GeneDx Variant Classification Process June 2021. Collection method: clinical testing. Allele origin: germline. Affected: yes.
Comment: This variant is associated with the following publications: (PMID: 17657824)

Color Diagnostics, LLC DBA Color Health
Classification: Benign for Familial thoracic aortic aneurysm and aortic dissection. Last evaluated: 2019-01-11. Review status: criteria provided, single submitter. Criteria: ACMG Guidelines, 2015. Collection method: clinical testing. Allele origin: germline.

Women's Health and Genetics/Laboratory Corporation of America, LabCorp
Classification: Benign. Last evaluated: 2018-07-02. Review status: criteria provided, single submitter. Criteria: LabCorp Variant Classification Summary - May 2015. Collection method: clinical testing. Allele origin: germline.
Comment: Variant summary: FBN1 c.2148A>G alters a non-conserved nucleotide resulting in a synonymous change. 5/5 computational tools predict no significant impact on normal splicing. However, these predictions have yet to be confirmed by functional studies. The observed variant frequency within African control individuals in the gnomAD database is approximately 12-folds higher than the estimated maximal expected allele frequency for a pathogenic variant in FBN1 causing Marfan Syndrome phenotype (0.00011), strongly suggesting that the variant is a benign polymorphism found primarily in populations of African origin. The variant, c.2148A>G, has been reported in the literature in individuals affected with Marfan Syndrome (Comeglio_2007). These report(s) do not provide unequivocal conclusions about association of the variant with Marfan Syndrome. To our knowledge, no experimental evidence demonstrating an impact on protein function has been reported. Four ClinVar submissions from clinical diagnostic laboratories (evaluation after 2014) cite the variant as "benign/likely benign" (3x) and "uncertain significance" (1x). Based on the evidence outlined above, the variant was classified as benign.

Eurofins Ntd Llc (ga)
Classification: Uncertain significance. Last evaluated: 2017-02-14. Review status: criteria provided, single submitter. Criteria: EGL Classification Definitions 2015. Collection method: clinical testing. Allele origin: germline. Observed: 1 variant allele, 1 heterozygote.

ARUP Laboratories, Molecular Genetics and Genomics, ARUP Laboratories
Classification: Likely benign. Last evaluated: 2016-10-05. Review status: criteria provided, single submitter. Criteria: ARUP Molecular Germline Variant Investigation Process. Collection method: clinical testing. Allele origin: germline.

Ambry Genetics
Classification: Likely benign for Familial thoracic aortic aneurysm and aortic dissection. Last evaluated: 2016-04-26. Review status: criteria provided, single submitter. Criteria: Ambry Variant Classification Scheme 2023. Collection method: clinical testing. Allele origin: germline.

Literature cited by the submitters: PubMed 17657824 (cited by Women's Health and Genetics/Laboratory Corporation of America, LabCorp).